The following is an entry in ClinVar:

NM_001042492.3(NF1):c.5797G>A (p.Gly1933Arg)

Gene: NF1 (neurofibromin 1; plus strand). Cytogenetic location: 17q11.2.
Variant type: single nucleotide variant.
Coding change: c.5797G>A on transcript NM_001042492.3 (MANE Select); coding-DNA position 5797, G replaced by A.
Protein change: p.Gly1933Arg; replaces glycine 1933 with arginine.
Molecular consequence: missense variant.
Genome position (GRCh38, 1-based): chr17:31,330,483, G>A. VCF-style: chr17-31330483-G-A. GRCh37 (hg19) VCF-style: chr17-29657501-G-A.
Other names: c.5734G>A, p.Gly1912Arg (NM_000267.4); short protein forms G1912R, G1933R.
Identifiers: ClinVar variation 2740291 (VCV002740291.3), dbSNP rs2508719609, ClinGen allele CA399010495.

ClinVar aggregate classification (germline): Uncertain significance (1 of 4 stars; one submission).

Conditions:
Neurofibromatosis, type 1 (NF1). Also called: Neurofibromatosis, type I; Peripheral type neurofibromatosis; VON RECKLINGHAUSEN DISEASE; NEUROFIBROMATOSIS, TYPE I, SOMATIC. Identifiers: Orphanet 636, MedGen C0027831, MONDO:0018975, OMIM 162200. Disease mechanism: loss of function.

Submission:

Labcorp Genetics (formerly Invitae), Labcorp
Classification: Uncertain significance for Neurofibromatosis, type 1. Last evaluated: 2023-07-10. Review status: criteria provided, single submitter. Criteria: Invitae Variant Classification Sherloc (09022015). Collection method: clinical testing. Allele origin: germline.
Comment: In summary, the available evidence is currently insufficient to determine the role of this variant in disease. Therefore, it has been classified as a Variant of Uncertain Significance. Algorithms developed to predict the effect of sequence changes on RNA splicing suggest that this variant may disrupt the consensus splice site. Advanced modeling of protein sequence and biophysical properties (such as structural, functional, and spatial information, amino acid conservation, physicochemical variation, residue mobility, and thermodynamic stability) performed at Invitae indicates that this missense variant is expected to disrupt NF1 protein function. This variant has not been reported in the literature in individuals affected with NF1-related conditions. This variant is not present in population databases (gnomAD no frequency). This sequence change replaces glycine, which is neutral and non-polar, with arginine, which is basic and polar, at codon 1912 of the NF1 protein (p.Gly1912Arg).